The following is an entry in ClinVar:

ClinVar aggregate classification (germline): Conflicting classifications of pathogenicity. Review status: criteria provided, conflicting classifications (1 of 4 stars). 3 submissions from 1 submitter: Uncertain significance (1); Benign (2). Last evaluated 2018-01-12.

Conditions:
Autosomal recessive nonsyndromic hearing loss 1A (DFNB1A). Also called: GJB6-Related DFNB 1 Nonsyndromic Hearing Loss and Deafness; Deafness, autosomal recessive 1A; Nonsyndromic Hearing Loss and Deafness, DFNB1; GJB2-Related Autosomal Recessive Nonsyndromic Hearing Loss; Connexin 26 deafness; Deafness nonsyndromic, Connexin 26 linked. Identifiers: Orphanet 90636, MedGen C2673759, MONDO:0009076, OMIM 220290.
Ichthyosis, hystrix-like, with hearing loss. Also called: Hystrix-like ichthyosis with deafness. Identifiers: Orphanet 477, MedGen C1865234, MONDO:0011245.
Autosomal dominant nonsyndromic hearing loss 3A. Identifiers: Orphanet 90635, MedGen C2675750, MONDO:0011103, OMIM 601544.

Allele frequency attached by ClinVar (database versions not stated): gnomAD 0.00324 and 0.00347; 1000 Genomes Project 30x 0.00515; TOPMed 0.00312; 1000 Genomes Project 0.00439.

Submissions (3):

Illumina Laboratory Services, Illumina
Classification: Benign for Autosomal dominant nonsyndromic hearing loss 3A. Last evaluated: 2018-01-12. Review status: criteria provided, single submitter. Criteria: ICSL Variant Classification Criteria 13 December 2019. Collection method: clinical testing. Allele origin: germline.
Comment: This variant was observed in the ICSL laboratory as part of a predisposition screen in an ostensibly healthy population. It had not been previously curated by ICSL or reported in the Human Gene Mutation Database (HGMD: prior to June 1st, 2018), and was therefore a candidate for classification through an automated scoring system. Utilizing variant allele frequency, disease prevalence and penetrance estimates, and inheritance mode, an automated score was calculated to assess if this variant is too frequent to cause the disease. Based on the score and internal cut-off values, a variant classified as benign is not then subjected to further curation. The score for this variant resulted in a classification of benign for this disease.

Illumina Laboratory Services, Illumina
Classification: Benign for Autosomal dominant keratitis-ichthyosis-hearing loss syndrome. Last evaluated: 2018-01-12. Review status: criteria provided, single submitter. Criteria: ICSL Variant Classification Criteria 13 December 2019. Collection method: clinical testing. Allele origin: germline.
Comment: the same text as in the submission from Illumina Laboratory Services, Illumina above.

Illumina Laboratory Services, Illumina
Classification: Uncertain significance for Autosomal recessive nonsyndromic hearing loss 1A. Last evaluated: 2018-01-12. Review status: criteria provided, single submitter. Criteria: ICSL Variant Classification Criteria 13 December 2019. Collection method: clinical testing. Allele origin: germline.

NM_004004.6(GJB2):c.*786G>A

Gene: GJB2 (gap junction protein beta 2; minus strand). Cytogenetic location: 13q12.11.
Variant type: single nucleotide variant.
Coding change: c.*786G>A on transcript NM_004004.6 (MANE Select); 786 bases downstream of the stop codon, G replaced by A.
Molecular consequence: 3 prime UTR variant.
Genome position (GRCh38, 1-based): chr13:20,188,115, C>T on the plus strand (G>A on the coding strand, the complement: GJB2 is on the minus strand). VCF-style: chr13-20188115-C-T. GRCh37 (hg19) VCF-style: chr13-20762254-C-T.
Identifiers: ClinVar variation 311363 (VCV000311363.5), dbSNP rs187158699, ClinGen allele CA10642989.
Genomic context (GRCh38, chr13:20,188,115, plus strand): 5'-GTATTTCTTACACAAAATTACATCTAAATATTTGACATGAGGCCATTTGCTATCATAAGC[C>T]ATCACTAGGAACTTCTAGTCTGTCTCACTCGATTGAGGCTACAATGTTGTTAGGTGCTAT-3'